The following is an entry in ClinVar:

NM_001848.3(COL6A1):c.930+20G>C

Gene: COL6A1 (collagen type VI alpha 1 chain; plus strand). Cytogenetic location: 21q22.3.
Variant type: single nucleotide variant.
Coding change: c.930+20G>C on transcript NM_001848.3 (MANE Select); 20 bases into the intron after coding-DNA position 930, G replaced by C.
Molecular consequence: intron variant.
Genome position (GRCh38, 1-based): chr21:45,989,798, G>C. VCF-style: chr21-45989798-G-C. GRCh37 (hg19) VCF-style: chr21-47409712-G-C.
Identifiers: ClinVar variation 386569 (VCV000386569.6), dbSNP rs765683206, ClinGen allele CA10069883.

ClinVar aggregate classification (germline): Likely benign. Review status: criteria provided, multiple submitters, no conflicts (2 of 4 stars). 2 submissions from 2 submitters: Likely benign (2). Last evaluated 2024-05-20.

Conditions:
Bethlem myopathy 1A. Also called: MYOPATHY, BENIGN CONGENITAL, WITH CONTRACTURES; Bethlem Muscular Dystrophy; Bethlem myopathy 1. Identifiers: Orphanet 610, MedGen CN029274, MONDO:0024530, OMIM 158810.

gnomAD v4.1: 6 of 1,612,744 alleles (0.00037%); highest among the groups gnomAD compares: Admixed American, 0.01%; no homozygotes.

Submissions (2):

Labcorp Genetics (formerly Invitae), Labcorp
Classification: Likely benign for Bethlem myopathy 1A. Last evaluated: 2024-05-20. Review status: criteria provided, single submitter. Criteria: Invitae Variant Classification Sherloc (09022015). Collection method: clinical testing. Allele origin: germline.

GeneDx
Classification: Likely benign. Last evaluated: 2016-06-14. Review status: criteria provided, single submitter. Criteria: GeneDx Variant Classification (06012015). Collection method: clinical testing. Allele origin: germline. Affected: yes.
Comment: This variant is considered likely benign or benign based on one or more of the following criteria: it is a conservative change, it occurs at a poorly conserved position in the protein, it is predicted to be benign by multiple in silico algorithms, and/or has population frequency not consistent with disease.